The following is an entry in ClinVar:

NM_000265.7(NCF1):c.108G>A (p.Ser36=)

Genes: NCF1 (neutrophil cytosolic factor 1; plus strand), LOC106029312 (Williams-Beuren syndrome medial block B recombination region; plus strand). Cytogenetic location: 7q11.23.
Variant type: single nucleotide variant.
Coding change: c.108G>A on transcript NM_000265.7 (MANE Select); coding-DNA position 108, G replaced by A.
Protein change: p.Ser36=; no amino-acid change (serine 36 retained).
Molecular consequence: synonymous variant.
Genome position (GRCh38, 1-based): chr7:74,777,302, G>A. VCF-style: chr7-74777302-G-A. GRCh37 (hg19) VCF-style: chr7-74191648-G-A.
Identifiers: ClinVar variation 625985 (VCV000625985.3), dbSNP rs146173318, ClinGen allele CA4298021.
Genomic context (GRCh38, chr7:74,777,302, plus strand): 5'-TCCCCCGACTCTGGCTTTCCCCCAGGTGTACATGTTCCTGGTGAAATGGCAGGACCTGTC[G>A]GAGAAGGTGGTCTACCGGCGCTTCACCGAGATCTACGAGTTCCATGTGAGTGTGGGGATG-3'
Protein context (NP_000256.4, residues 26-46): YMFLVKWQDL[Ser36=]EKVVYRRFTE

ClinVar aggregate classification (germline): Conflicting classifications of pathogenicity. Review status: criteria provided, conflicting classifications (1 of 4 stars). 2 submissions from 2 submitters: Uncertain significance (1); Likely benign (1). Last evaluated 2024-10-28.

Conditions:
Granulomatous disease, chronic, autosomal recessive, cytochrome b-positive, type 1. Also called: Chronic granulomatous disease 1, autosomal recessive; Chronic granulomatous disease due to deficiency of NCF-1; Chronic Granulomatous Disease, Autosomal Recessive, Cytochrome b-Positive, Type I; CGD, AUTOSOMAL RECESSIVE CYTOCHROME b-POSITIVE, TYPE I; GRANULOMATOUS DISEASE, CHRONIC, DUE TO NCF1 DEFICIENCY. Identifiers: Orphanet 379, MedGen C1856251, MONDO:0009309, OMIM 233700.

Allele frequency attached by ClinVar (database versions not stated): gnomAD exomes 0.00024 and 0.00040; ExAC 0.00026; gnomAD 0.00030 and 0.00031; ESP Exome Variant Server 0.00054.
gnomAD v4.1: 624 of 1,611,216 alleles (0.039%); highest among the groups gnomAD compares: Non-Finnish European, 0.049%; no homozygotes.

Submissions (2):

Blueprint Genetics
Classification: Likely benign. Last evaluated: 2024-10-28. Review status: criteria provided, single submitter. Criteria: ACMG Guidelines, 2015. Collection method: clinical testing. Allele origin: germline.

Center for Genomics, Ann and Robert H. Lurie Children's Hospital of Chicago
Classification: Uncertain significance for Granulomatous disease, chronic, autosomal recessive, cytochrome b-positive, type 1. Last evaluated: 2021-03-30. Review status: criteria provided, single submitter. Criteria: ACMG Guidelines, 2015. Collection method: clinical testing. Allele origin: germline.
Comment: NCF1 NM_00265.5 exon 2 p.Ser36= (c.108G>A): This variant has not been reported in the literature but is present in 56/125884 European alleles in the Genome Aggregation Database. Evolutionary conservation and computational predictive tools for this variant are limited or unavailable. Of note, this variant is a silent variant and does not change the amino acid, reducing the probability that this variant is disease causing. In summary, data on this variant is insufficient for disease classification. Therefore, the clinical significance of this variant is uncertain.